The following is an entry in ClinVar:

NM_001375567.1(FOCAD):c.767G>A (p.Arg256His)

Gene: FOCAD (focadhesin; plus strand). Cytogenetic location: 9p21.3.
Variant type: single nucleotide variant.
Coding change: c.767G>A on transcript NM_001375567.1 (MANE Select); coding-DNA position 767, G replaced by A.
Protein change: p.Arg256His; replaces arginine 256 with histidine.
Molecular consequence: missense variant.
Genome position (GRCh38, 1-based): chr9:20,770,099, G>A. VCF-style: chr9-20770099-G-A. GRCh37 (hg19) VCF-style: chr9-20770098-G-A.
Other names: c.767G>A, p.Arg256His (NM_001375568.1, NM_017794.5); c.662G>A, p.Arg221His (NM_001375570.1); short protein forms R221H, R256H.
Identifiers: ClinVar variation 3608840 (VCV003608840.2).

ClinVar aggregate classification (germline): Uncertain significance (1 of 4 stars; one submission).

gnomAD v4.1: 125 of 1,614,020 alleles (0.0077%); highest among the groups gnomAD compares: South Asian, 0.11%; 1 homozygote.

Submission:

Labcorp Genetics (formerly Invitae), Labcorp
Classification: Uncertain significance. Last evaluated: 2024-05-07. Review status: criteria provided, single submitter. Criteria: Invitae Variant Classification Sherloc (09022015). Collection method: clinical testing. Allele origin: germline.
Comment: This sequence change replaces arginine, which is basic and polar, with histidine, which is basic and polar, at codon 256 of the FOCAD protein (p.Arg256His). This variant is present in population databases (rs753793211, gnomAD 0.1%), and has an allele count higher than expected for a pathogenic variant. This variant has not been reported in the literature in individuals affected with FOCAD-related conditions. Experimental studies and prediction algorithms are not available or were not evaluated, and the functional significance of this variant is currently unknown. In summary, the available evidence is currently insufficient to determine the role of this variant in disease. Therefore, it has been classified as a Variant of Uncertain Significance.